The following is an entry in ClinVar:

NM_000061.3(BTK):c.1625T>C (p.Leu542Pro)

Gene: BTK (Bruton tyrosine kinase; minus strand). Cytogenetic location: Xq22.1.
Variant type: single nucleotide variant.
Coding change: c.1625T>C on transcript NM_000061.3 (MANE Select); coding-DNA position 1625, T replaced by C.
Protein change: p.Leu542Pro; replaces leucine 542 with proline.
Molecular consequence: missense variant.
Genome position (GRCh38, 1-based): chrX:101,354,636, A>G on the plus strand (T>C on the coding strand, the complement: BTK is on the minus strand). VCF-style: chrX-101354636-A-G. GRCh37 (hg19) VCF-style: chrX-100609624-A-G.
Other names: c.1727T>C, p.Leu576Pro (NM_001287344.2); c.1097T>C, p.Leu366Pro (NM_001287345.2); short protein forms L542P, L366P, L576P.
Identifiers: ClinVar variation 11381 (VCV000011381.20), dbSNP rs128621203, ClinGen allele CA121434.

ClinVar aggregate classification (germline): Conflicting classifications of pathogenicity. Review status: criteria provided, conflicting classifications (1 of 4 stars). 4 submissions from 4 submitters: Pathogenic (1); Likely pathogenic (1); Uncertain significance (1). 1 of the submissions does not count toward it. Last evaluated 2024-11-11.

Conditions:
X-linked agammaglobulinemia with growth hormone deficiency (IGHD3). Also called: HYPOGAMMAGLOBULINEMIA AND ISOLATED GROWTH HORMONE DEFICIENCY, X-LINKED; IGHD III; ISOLATED GROWTH HORMONE DEFICIENCY, TYPE III, WITH AGAMMAGLOBULINEMIA; AGAMMAGLOBULINEMIA AND ISOLATED GROWTH HORMONE DEFICIENCY, X-LINKED; FLEISHER SYNDROME; Isolated growth hormone deficiency type 3. Identifiers: Orphanet 231692, Orphanet 631, MedGen C0472813, MONDO:0010615, OMIM 307200.

Submissions (4):

GeneDx
Classification: Likely pathogenic. Last evaluated: 2024-11-11. Review status: criteria provided, single submitter. Criteria: GeneDx Variant Classification Process June 2021. Collection method: clinical testing. Allele origin: germline. Affected: yes.
Comment: Not observed at significant frequency in large population cohorts (gnomAD); In silico analysis supports that this missense variant has a deleterious effect on protein structure/function; This variant is associated with the following publications: (PMID: 2299506, 7849697, 12655572, 27915290, 26659599, 1880652)

Labcorp Genetics (formerly Invitae), Labcorp
Classification: Pathogenic for X-linked agammaglobulinemia with growth hormone deficiency. Last evaluated: 2024-05-23. Review status: criteria provided, single submitter. Criteria: Invitae Variant Classification Sherloc (09022015). Collection method: clinical testing. Allele origin: germline.
Comment: This sequence change replaces leucine, which is neutral and non-polar, with proline, which is neutral and non-polar, at codon 542 of the BTK protein (p.Leu542Pro). This variant is not present in population databases (gnomAD no frequency). This missense change has been observed in individuals with X-linked agammaglobulinemia (PMID: 7849697, 12655572). It has also been observed to segregate with disease in related individuals. ClinVar contains an entry for this variant (Variation ID: 11381). Advanced modeling of protein sequence and biophysical properties (such as structural, functional, and spatial information, amino acid conservation, physicochemical variation, residue mobility, and thermodynamic stability) performed at Invitae indicates that this missense variant is expected to disrupt BTK protein function with a positive predictive value of 80%. For these reasons, this variant has been classified as Pathogenic.

ARUP Laboratories, Molecular Genetics and Genomics, ARUP Laboratories
Classification: Uncertain significance. Last evaluated: 2019-11-03. Review status: criteria provided, single submitter. Criteria: ARUP Molecular Germline Variant Investigation Process. Collection method: clinical testing. Allele origin: germline.
Comment: The BTK c.1625T>C; p.Leu542Pro variant (rs128621203) is reported in the literature in individuals affected with X-linked agammaglobulinemia (Conley 1994, Danielian 2003). This variant is reported in ClinVar (Variation ID: 11381), and is absent from general population databases (Exome Variant Server, Genome Aggregation Database), indicating it is not a common polymorphism. The leucine at codon 542 is highly conserved, and computational analyses (SIFT, PolyPhen-2) predict that this variant is deleterious. Structural analyses of the BTK protein show that leucine 542 may be important for substrate binding (Mattsson 1996). However, given the limited amount of clinical data and lack of functional data, the significance of the p.Leu542Pro variant is uncertain at this time. References: Conley et al. Screening of genomic DNA to identify mutations in the gene for Bruton's tyrosine kinase. Hum Mol Genet. 1994 Oct;3(10):1751-6. Danielian S et al. Bruton tyrosine kinase gene mutations in Argentina. Hum Mutat. 2003 Apr;21(4):451. Mattsson PT et al. X-linked agammaglobulinemia (XLA): a genetic tyrosine kinase (Btk) disease. Bioessays. 1996 Oct;18(10):825-34.

OMIM
Classification: Pathogenic for ISOLATED GROWTH HORMONE DEFICIENCY, TYPE III, WITH AGAMMAGLOBULINEMIA. Last evaluated: 1994-10-01. Review status: no assertion criteria provided. Collection method: literature only. Allele origin: germline. Not counted in ClinVar's aggregate classification.

Literature cited by the submitters: PubMed 7849697 (cited by Labcorp Genetics (formerly Invitae), Labcorp and OMIM); PubMed 12655572 (cited by Labcorp Genetics (formerly Invitae), Labcorp).